The following is an entry in ClinVar:

ClinVar aggregate classification (germline): Uncertain significance (1 of 4 stars; one submission).

Submission:

Ambry Genetics
Classification: Uncertain significance. Last evaluated: 2022-07-17. Review status: criteria provided, single submitter. Criteria: Ambry Variant Classification Scheme 2023. Collection method: clinical testing. Allele origin: germline.
Comment: The p.G2941E variant (also known as c.8822G>A), located in coding exon 64 of the PRKDC gene, results from a G to A substitution at nucleotide position 8822. The glycine at codon 2941 is replaced by glutamic acid, an amino acid with similar properties. This amino acid position is conserved. Since supporting evidence is limited at this time, the clinical significance of this alteration remains unclear.

NM_006904.7(PRKDC):c.8822G>A (p.Gly2941Glu)

Gene: PRKDC (protein kinase, DNA-activated, catalytic subunit; minus strand). Cytogenetic location: 8q11.21.
Variant type: single nucleotide variant.
Coding change: c.8822G>A on transcript NM_006904.7 (MANE Select); coding-DNA position 8822, G replaced by A.
Protein change: p.Gly2941Glu; replaces glycine 2941 with glutamic acid.
Molecular consequence: missense variant.
Genome position (GRCh38, 1-based): chr8:47,823,958, C>T on the plus strand (G>A on the coding strand, the complement: PRKDC is on the minus strand). VCF-style: chr8-47823958-C-T. GRCh37 (hg19) VCF-style: chr8-48736519-C-T.
Other names: c.8822G>A, p.Gly2941Glu (NM_001081640.2); short protein forms G2941E.
Identifiers: ClinVar variation 1764784 (VCV001764784.2), dbSNP rs2551865887, ClinGen allele CA371142481.